The following is an entry in ClinVar:

ClinVar aggregate classification (germline): Likely benign (0 of 4 stars; one submission).

Conditions:
ARHGEF28-related disorder. Also called: ARHGEF28-related condition.

Submission:

PreventionGenetics, part of Exact Sciences
Classification: Likely benign for ARHGEF28-related condition. Last evaluated: 2023-02-15. Review status: no assertion criteria provided. Collection method: clinical testing. Allele origin: germline.
Comment: This variant is classified as likely benign based on ACMG/AMP sequence variant interpretation guidelines (Richards et al. 2015 PMID: 25741868, with internal and published modifications).

NM_001177693.2(ARHGEF28):c.352C>T (p.Leu118=)

Gene: ARHGEF28 (Rho guanine nucleotide exchange factor 28; plus strand). Cytogenetic location: 5q13.2.
Variant type: single nucleotide variant.
Coding change: c.352C>T on transcript NM_001177693.2 (MANE Select); coding-DNA position 352, C replaced by T.
Protein change: p.Leu118=; no amino-acid change (leucine 118 retained).
Molecular consequence: synonymous variant. On other transcripts: intron variant (1).
Genome position (GRCh38, 1-based): chr5:73,753,079, C>T. VCF-style: chr5-73753079-C-T. GRCh37 (hg19) VCF-style: chr5-73048904-C-T.
Other names: c.352C>T, p.Leu118= (NM_001080479.3, NM_001388078.1); c.181+3095C>T (NM_001388076.1).
Identifiers: ClinVar variation 3356904 (VCV003356904.1).